The following is an entry in ClinVar:

NM_001252024.2(TRPM1):c.279+21T>C

Gene: TRPM1 (transient receptor potential cation channel subfamily M member 1; minus strand). Cytogenetic location: 15q13.3.
Variant type: single nucleotide variant.
Coding change: c.279+21T>C on transcript NM_001252024.2 (MANE Select); 21 bases into the intron after coding-DNA position 279, T replaced by C.
Molecular consequence: intron variant. On other transcripts: synonymous variant (1).
Genome position (GRCh38, 1-based): chr15:31,070,010, A>G on the plus strand (T>C on the coding strand, the complement: TRPM1 is on the minus strand). VCF-style: chr15-31070010-A-G. GRCh37 (hg19) VCF-style: chr15-31362213-A-G.
Other names: c.234T>C, p.His78= (NM_001252030.2); c.330+21T>C (NM_001252020.2); c.213+21T>C (NM_002420.6).
Identifiers: ClinVar variation 4979457 (VCV004979457.1).

ClinVar aggregate classification (germline): Likely benign (1 of 4 stars; one submission).

Conditions:
TRPM1-related disorder. Also called: TRPM1-related condition.

gnomAD v4.1: 6 of 1,614,094 alleles (0.00037%); highest among the groups gnomAD compares: African/African-American, 0.008%; no homozygotes.

Submission:

PreventionGenetics, part of Exact Sciences
Classification: Likely benign for TRPM1-related condition. Last evaluated: 2025-10-19. Review status: criteria provided, single submitter. Criteria: ACMG Guidelines, 2015. Collection method: clinical testing. Allele origin: germline.
Comment: This variant is classified as likely benign based on ACMG/AMP sequence variant interpretation guidelines (Richards et al. 2015 PMID: 25741868, with internal and published modifications).